The following is an entry in ClinVar:

NM_199420.4(POLQ):c.2153+27C>T

Gene: POLQ (DNA polymerase theta; minus strand). Cytogenetic location: 3q13.33.
Variant type: single nucleotide variant.
Coding change: c.2153+27C>T on transcript NM_199420.4 (MANE Select); 27 bases into the intron after coding-DNA position 2153, C replaced by T.
Molecular consequence: intron variant.
Genome position (GRCh38, 1-based): chr3:121,498,450, G>A on the plus strand (C>T on the coding strand, the complement: POLQ is on the minus strand). VCF-style: chr3-121498450-G-A. GRCh37 (hg19) VCF-style: chr3-121217297-G-A.
Identifiers: ClinVar variation 4888226 (VCV004888226.1), dbSNP rs41559618.
Genomic context (GRCh38, chr3:121,498,450, plus strand): 5'-AATGAAAGTGACTACAATAAACTGGGCGTCTACTACATGCAAGACACTGTGTTAAATACC[G>A]GAGAGCCCAGAGACCTTGACGTTTACCTTTTATGGATGGCCATTTGTCGATGCTGTCTCT-3'

ClinVar aggregate classification (germline): Benign (1 of 4 stars; one submission).

Conditions:
Familial cancer of breast. Also called: BREAST CANCER, FAMILIAL; Hereditary breast cancer; hereditary breast carcinoma. Identifiers: Orphanet 227535, MedGen C0346153, MONDO:0016419, OMIM 114480. Disease mechanism: loss of function.

gnomAD v4.1: 51,305 of 1,559,200 alleles (3.3%); highest among the groups gnomAD compares: Non-Finnish European, 4.1%; 1,010 homozygotes.

Submission:

Genomic Medicine Laboratory, Hospital de Clinicas de Porto Alegre
Classification: Benign for Familial cancer of breast. Last evaluated: 2026-08-07. Review status: criteria provided, single submitter. Criteria: ACGS UK Practice Guidelines For Variant Classification V12 2024. Collection method: research. Allele origin: germline. Affected: yes. Observed: 2 variant alleles.
Comment: BS2 + BP4: Observed in a healthy adult individual for a recessive (homozygous), dominant (heterozygous), or X-linked (hemizygous) disorder with full enetrance expected at an early age + Multiple lines of computational evidence suggest no impact on gene or gene product